The following is an entry in ClinVar:

NM_206933.4(USH2A):c.7400C>T (p.Pro2467Leu)

Gene: USH2A (usherin; minus strand). Cytogenetic location: 1q41.
Variant type: single nucleotide variant.
Coding change: c.7400C>T on transcript NM_206933.4 (MANE Select); coding-DNA position 7400, C replaced by T.
Protein change: p.Pro2467Leu; replaces proline 2467 with leucine.
Molecular consequence: missense variant.
Genome position (GRCh38, 1-based): chr1:215,900,806, G>A on the plus strand (C>T on the coding strand, the complement: USH2A is on the minus strand). VCF-style: chr1-215900806-G-A. GRCh37 (hg19) VCF-style: chr1-216074148-G-A.
Other names: short protein forms P2467L.
Identifiers: ClinVar variation 1391659 (VCV001391659.8), dbSNP rs2102470160, ClinGen allele CA344849721.

ClinVar aggregate classification (germline): Uncertain significance (1 of 4 stars; one submission).

Allele frequency attached by ClinVar (database versions not stated): gnomAD exomes below 0.00001.
gnomAD v4.1: 1 of 1,613,746 alleles (0.000062%); highest among the groups gnomAD compares: African/African-American, 0.0013%; no homozygotes.

Submission:

Labcorp Genetics (formerly Invitae), Labcorp
Classification: Uncertain significance. Last evaluated: 2022-07-06. Review status: criteria provided, single submitter. Criteria: Invitae Variant Classification Sherloc (09022015). Collection method: clinical testing. Allele origin: germline.
Comment: This variant is not present in population databases (gnomAD no frequency). In summary, the available evidence is currently insufficient to determine the role of this variant in disease. Therefore, it has been classified as a Variant of Uncertain Significance. Algorithms developed to predict the effect of missense changes on protein structure and function are either unavailable or do not agree on the potential impact of this missense change (SIFT: "Deleterious"; PolyPhen-2: "Benign"; Align-GVGD: "Class C65"). ClinVar contains an entry for this variant (Variation ID: 1391659). This variant has not been reported in the literature in individuals affected with USH2A-related conditions. This sequence change replaces proline, which is neutral and non-polar, with leucine, which is neutral and non-polar, at codon 2467 of the USH2A protein (p.Pro2467Leu).